The following is an entry in ClinVar:

NM_006767.4(LZTR1):c.1856G>C (p.Arg619Pro)

Gene: LZTR1 (leucine zipper like post translational regulator 1; plus strand). Cytogenetic location: 22q11.21.
Variant type: single nucleotide variant.
Coding change: c.1856G>C on transcript NM_006767.4 (MANE Select); coding-DNA position 1856, G replaced by C.
Protein change: p.Arg619Pro; replaces arginine 619 with proline.
Molecular consequence: missense variant.
Genome position (GRCh38, 1-based): chr22:20,994,940, G>C. VCF-style: chr22-20994940-G-C. GRCh37 (hg19) VCF-style: chr22-21349229-G-C.
Other names: short protein forms R619P.
Identifiers: ClinVar variation 3541689 (VCV003541689.1).
Genomic context (GRCh38, chr22:20,994,940, plus strand): 5'-TGAACTTCGTGGTAAAGGAGTCCCACTTCAACCAGGTGATCATGATGAAGGAGTTCGAGC[G>C]CCTCTCCTCTCCACTGATAGTGGAGATTGTGCGGCGGAAGCAGCAGCCGCCCCCTCGCAC-3'
Protein context (NP_006758.2, residues 609-629): NQVIMMKEFE[Arg619Pro]LSSPLIVEIV

ClinVar aggregate classification (germline): Uncertain significance (1 of 4 stars; one submission).

Conditions:
Hereditary cancer-predisposing syndrome. Also called: Hereditary Cancer Syndrome; Hereditary neoplastic syndrome; Tumor predisposition; Neoplastic Syndromes, Hereditary. Identifiers: Orphanet 140162, MedGen C0027672, MeSH D009386, MONDO:0015356.
Cardiovascular phenotype. Identifiers: MedGen CN230736.

gnomAD v4.1: 1 of 1,613,332 alleles (0.000062%); highest among the groups gnomAD compares: Non-Finnish European, 0.000085%; no homozygotes.

Submission:

Ambry Genetics
Classification: Uncertain significance for Cardiovascular phenotype; Hereditary cancer-predisposing syndrome. Last evaluated: 2024-11-09. Review status: criteria provided, single submitter. Criteria: Ambry Variant Classification Scheme 2023. Collection method: clinical testing. Allele origin: germline.
Comment: The p.R619P variant (also known as c.1856G>C), located in coding exon 16 of the LZTR1 gene, results from a G to C substitution at nucleotide position 1856. The arginine at codon 619 is replaced by proline, an amino acid with dissimilar properties. This amino acid position is not well conserved in available vertebrate species. In addition, this alteration is predicted to be tolerated by in silico analysis. Based on the available evidence, the clinical significance of this variant remains unclear.